The following is an entry in ClinVar:

NM_016592.5(GNAS):c.337_348del (p.111TESE[1])

Genes: GNAS (GNAS complex locus; plus strand), GNAS-AS1 (GNAS antisense RNA 1; minus strand). Cytogenetic location: 20q13.32.
Variant type: Deletion.
Coding change: c.337_348del on transcript NM_016592.5 (MANE Plus Clinical); coding-DNA positions 337 to 348, 12 bases deleted (AGCGAGACCGAG).
Protein change: p.111TESE[1].
Molecular consequence: inframe deletion. On other transcripts: 5 prime UTR variant (1).
Genome position (GRCh38, 1-based): chr20:58,840,443-58,840,454, AGCGAGACCGAG deleted; deleting any 12 consecutive bases within chr20:58,840,433-58,840,454 gives the same sequence; the c. name uses the placement nearest the transcript's 3' end. VCF-style (leftmost placement, unchanged base first): chr20-58840432-ACGAGACCGAGAG-A. GRCh37 (hg19) VCF-style: chr20-57415487-ACGAGACCGAGAG-A.
Other names: c.-401_-390del (NM_001410912.1).
Identifiers: ClinVar variation 3357812 (VCV003357812.1).

ClinVar aggregate classification (germline): Uncertain significance (0 of 4 stars; one submission).

Conditions:
GNAS-related disorder. Identifiers: MedGen CN380105.

Submission:

PreventionGenetics, part of Exact Sciences
Classification: Uncertain significance for GNAS-related condition. Last evaluated: 2024-09-22. Review status: no assertion criteria provided. Collection method: clinical testing. Allele origin: germline.
Comment: The GNAS c.337_348del12 variant is predicted to result in an in-frame deletion (p.Thr115_Glu118del). To our knowledge, this variant has not been reported in the literature. Of note, the GNAS locus on chromosome 20 is complex and can produce many different transcripts. In the primary GNAS transcript, NM_000516, this variant occurs in a non-coding region and is designated as c.-51284_-51273del12. At this time, the clinical significance of this variant is uncertain due to the absence of conclusive functional and genetic evidence.